The following is an entry in ClinVar:

ClinVar aggregate classification (germline): Uncertain significance/Uncertain risk allele. Review status: criteria provided, multiple submitters, no conflicts (2 of 4 stars). 2 submissions from 2 submitters: Uncertain significance (1); Uncertain risk allele (1). Last evaluated 2017-10-13.

Conditions:
Monogenic diabetes. Identifiers: Orphanet 183625, MedGen C3888631, MONDO:0015967.
Maturity-onset diabetes of the young (MODY). Also called: Maturity onset diabetes mellitus in young. Identifiers: Orphanet 552, MedGen C0342276, MONDO:0018911, HP:0004904.

Allele frequency attached by ClinVar (database versions not stated): gnomAD exomes below 0.00001; gnomAD 0.00001; TOPMed 0.00001.
gnomAD v4.1: 6 of 1,613,280 alleles (0.00037%); highest among the groups gnomAD compares: Non-Finnish European, 0.00051%; no homozygotes.

Submissions (2):

Personalized Diabetes Medicine Program, University of Maryland School of Medicine
Classification: Uncertain significance for Monogenic diabetes. Last evaluated: 2017-10-13. Review status: criteria provided, single submitter. Criteria: ACMG Guidelines, 2015. Collection method: research. Allele origin: unknown. Observed: 1 variant allele, 1 heterozygote.
Comment: ACMG criteria: PP3 (6 predictors), BP4 (4 predictors), PM2 (absent db) (note: BP5 (alt cause) could be used to make it LB)=VUS

Clinical Genomics, Uppaluri K&H Personalized Medicine Clinic
Classification: Uncertain risk allele for Maturity-onset diabetes of the young. Review status: criteria provided, single submitter. Criteria: K & H Uppaluri Personalized Medicine Clinic Variant Classification & Assertion Criteria_Updated V.1. Collection method: research. Allele origin: unknown. Inheritance: Autosomal dominant inheritance.
Comment: Potent mutations in HNF4A are associated with poor insulin secretion in response to hyperglycemia. Associated with MODY1. Patients initially respond well to sulfonylureas but eventually become insulin dependent. However, more evidence is required to ascertain the role of this particular variant rs920346355 in MODY, yet.

Literature cited by the submitters: DOI 10.1159/000334532 (cited by Clinical Genomics, Uppaluri K&H Personalized Medicine Clinic); PubMed 18268044 (cited by Clinical Genomics, Uppaluri K&H Personalized Medicine Clinic); PubMed 17563455 (cited by Clinical Genomics, Uppaluri K&H Personalized Medicine Clinic); PubMed 32583173 (cited by Clinical Genomics, Uppaluri K&H Personalized Medicine Clinic); PubMed 35052457 (cited by Clinical Genomics, Uppaluri K&H Personalized Medicine Clinic); PubMed 35118593 (cited by Clinical Genomics, Uppaluri K&H Personalized Medicine Clinic).

NM_175914.5(HNF4A):c.901A>G (p.Ile301Val)

Gene: HNF4A (hepatocyte nuclear factor 4 alpha; plus strand). Cytogenetic location: 20q13.12.
Variant type: single nucleotide variant.
Coding change: c.901A>G on transcript NM_175914.5 (MANE Select); coding-DNA position 901, A replaced by G.
Protein change: p.Ile301Val; replaces isoleucine 301 with valine.
Molecular consequence: missense variant.
Genome position (GRCh38, 1-based): chr20:44,424,092, A>G. VCF-style: chr20-44424092-A-G. GRCh37 (hg19) VCF-style: chr20-43052732-A-G.
Other names: c.901A>G, p.Ile301Val (NM_001030004.3, NM_001030003.3); c.946A>G, p.Ile316Val (NM_001258355.2); c.892A>G, p.Ile298Val (NM_001287182.2, NM_001287183.2, NM_001287184.2); c.967A>G, p.Ile323Val (NM_178849.3, NM_178850.3, NM_000457.6); short protein forms I298V, I301V, I316V, I323V.
Identifiers: ClinVar variation 917410 (VCV000917410.3), dbSNP rs920346355, ClinGen allele CA315413801.